The following is an entry in ClinVar:

ClinVar aggregate classification (germline): Conflicting classifications of pathogenicity. Review status: criteria provided, conflicting classifications (1 of 4 stars). 10 submissions from 10 submitters: Uncertain significance (1); Benign (5); Likely benign (2). 2 of the submissions do not count toward it. Last evaluated 2026-08-01.

Conditions:
Cardiovascular phenotype. Identifiers: MedGen CN230736.
Long QT syndrome (LQTS). Identifiers: MedGen C0023976, MeSH D008133, MONDO:0002442. Disease mechanism: loss of function. Inheritance: Various modes of inheritance.

Allele frequency attached by ClinVar (database versions not stated): 1000 Genomes Project 0.00100; TOPMed 0.00110; 1000 Genomes Project 30x 0.00125; ESP Exome Variant Server 0.00133.
gnomAD v4.1: 2,138 of 1,613,558 alleles (0.13%); highest among the groups gnomAD compares: Middle Eastern, 0.15%; 4 homozygotes.

Submissions (10):

CeGaT Center for Human Genetics Tuebingen
Classification: Likely benign. Last evaluated: 2026-08-01. Review status: criteria provided, single submitter. Criteria: CeGaT Center For Human Genetics Tuebingen Variant Classification Criteria Version 2. Collection method: clinical testing. Allele origin: germline. Affected: yes. Observed: 26 variant alleles.
Comment: CACNA1C: BP4, BP7, BS1

Labcorp Genetics (formerly Invitae), Labcorp
Classification: Benign for Long QT syndrome. Last evaluated: 2026-02-04. Review status: criteria provided, single submitter. Criteria: Invitae Variant Classification Sherloc (09022015). Collection method: clinical testing. Allele origin: germline.

Molecular Diagnostic Laboratory for Inherited Cardiovascular Disease, Montreal Heart Institute
Classification: Benign. Last evaluated: 2025-04-09. Review status: criteria provided, single submitter. Criteria: ACMG Guidelines, 2015. Collection method: clinical testing. Allele origin: germline. Affected: no.

Blueprint Genetics
Classification: Benign. Last evaluated: 2024-11-27. Review status: criteria provided, single submitter. Criteria: ACMG Guidelines, 2015. Collection method: clinical testing. Allele origin: germline.

Women's Health and Genetics/Laboratory Corporation of America, LabCorp
Classification: Benign. Last evaluated: 2023-10-01. Review status: criteria provided, single submitter. Criteria: LabCorp Variant Classification Summary - May 2015. Collection method: clinical testing. Allele origin: germline.

Ambry Genetics
Classification: Likely benign for Cardiovascular phenotype. Last evaluated: 2015-11-27. Review status: criteria provided, single submitter. Criteria: Ambry Variant Classification Scheme 2023. Collection method: clinical testing. Allele origin: germline.

Eurofins Ntd Llc (ga)
Classification: Uncertain significance. Last evaluated: 2015-05-15. Review status: criteria provided, single submitter. Criteria: EGL Classification Definitions 2015. Collection method: clinical testing. Allele origin: germline. Observed: 2 variant alleles, 2 heterozygotes.

GeneDx
Classification: Benign. Last evaluated: 2014-12-23. Review status: criteria provided, single submitter. Criteria: GeneDx Variant Classification (06012015). Collection method: clinical testing. Allele origin: germline. Affected: yes.
Comment: This variant is considered likely benign or benign based on one or more of the following criteria: it is a conservative change, it occurs at a poorly conserved position in the protein, it is predicted to be benign by multiple in silico algorithms, and/or has population frequency not consistent with disease.

Clinical Genetics, Academic Medical Center
Classification: Benign. Review status: no assertion criteria provided. Collection method: clinical testing. Allele origin: germline. Affected: yes. Study: VKGL Data-share Consensus. Not counted in ClinVar's aggregate classification.

Joint Genome Diagnostic Labs from Nijmegen and Maastricht, Radboudumc and MUMC+
Classification: Likely benign. Review status: no assertion criteria provided. Collection method: clinical testing. Allele origin: germline. Affected: yes. Study: VKGL Data-share Consensus. Not counted in ClinVar's aggregate classification.

NM_000719.7(CACNA1C):c.5214C>A (p.Gly1738=)

Genes: CACNA1C (calcium voltage-gated channel subunit alpha1 C; plus strand), CACNA1C-AS1 (CACNA1C antisense RNA 1; minus strand). Cytogenetic location: 12p13.33.
Variant type: single nucleotide variant.
Coding change: c.5214C>A on transcript NM_000719.7 (MANE Select); coding-DNA position 5214, C replaced by A.
Protein change: p.Gly1738=; no amino-acid change (glycine 1738 retained).
Molecular consequence: synonymous variant.
Genome position (GRCh38, 1-based): chr12:2,679,566, C>A. VCF-style: chr12-2679566-C-A. GRCh37 (hg19) VCF-style: chr12-2788732-C-A.
Other names: c.5214C>A, p.Gly1738= (NM_001129841.2, NM_001129842.2, NM_001129843.2 and 4 more transcripts); c.5205C>A, p.Gly1735= (NM_001129844.2); c.5181C>A, p.Gly1727= (NM_001129846.2, NM_001167625.2); c.5358C>A, p.Gly1786= (NM_199460.4, NM_001129827.2); c.5358C>A (NM_199460.3); c.5337C>A, p.Gly1779= (NM_001129829.2); c.5298C>A, p.Gly1766= (NM_001129831.2); c.5274C>A, p.Gly1758= (NM_001129832.2); and 4 more.
Identifiers: ClinVar variation 136632 (VCV000136632.60), dbSNP rs199538058, ClinGen allele CA232435.